The following is an entry in ClinVar:

ClinVar aggregate classification (germline): Pathogenic (1 of 4 stars; one submission).

Submission:

CeGaT Center for Human Genetics Tuebingen
Classification: Pathogenic. Last evaluated: 2022-09-01. Review status: criteria provided, single submitter. Criteria: CeGaT Center For Human Genetics Tuebingen Variant Classification Criteria Version 2. Collection method: clinical testing. Allele origin: germline. Affected: yes. Observed: 1 variant allele.
Comment: DMD: PVS1, PM2, PS4:Moderate

NM_004006.3(DMD):c.116dup (p.Asn39fs)

Gene: DMD (dystrophin; minus strand). Cytogenetic location: Xp21.1.
Variant type: Duplication.
Coding change: c.116dup on transcript NM_004006.3 (MANE Select); coding-DNA position 116, one base duplicated (A; older notation c.116dupA).
Protein change: p.Asn39fs; shifts the reading frame from asparagine 39.
Molecular consequence: frameshift variant. On other transcripts: 5 prime UTR variant (1).
Genome position (GRCh38, 1-based): chrX:32,849,798, T duplicated on the plus strand (A on the coding strand, the reverse complement: DMD is on the minus strand); the first of 2 consecutive T bases (chrX:32,849,798-32,849,799); duplicating either gives the same sequence. VCF-style (leftmost placement, unchanged base first): chrX-32849797-G-GT. GRCh37 (hg19) VCF-style: chrX-32867914-G-GT.
Other names: c.92dup, p.Asn31fs (NM_000109.4); c.104dup, p.Asn35fs (NM_004009.3); c.-254dup (NM_004010.3); short protein forms N31fs, N35fs, N39fs.
Identifiers: ClinVar variation 1711705 (VCV001711705.30), dbSNP rs2524951964, ClinGen allele CA2580101167.